The following is an entry in ClinVar:

ClinVar aggregate classification (germline): Uncertain significance (1 of 4 stars; one submission).

Conditions:
Congenital myasthenic syndrome 8. Also called: MYASTHENIC SYNDROME, CONGENITAL, DUE TO AGRIN DEFICIENCY; Myasthenic syndrome, congenital, 8, with pre- and postsynaptic defects. Identifiers: Orphanet 590, MedGen C3808739, MONDO:0014052, OMIM 615120.

Allele frequency attached by ClinVar (database versions not stated): gnomAD exomes below 0.00001.
gnomAD v4.1: 1 of 1,611,400 alleles (0.000062%); highest among the groups gnomAD compares: South Asian, 0.0011%; no homozygotes.

Submission:

Labcorp Genetics (formerly Invitae), Labcorp
Classification: Uncertain significance for Congenital myasthenic syndrome 8. Last evaluated: 2022-11-22. Review status: criteria provided, single submitter. Criteria: Invitae Variant Classification Sherloc (09022015). Collection method: clinical testing. Allele origin: germline.
Comment: This variant is not present in population databases (gnomAD no frequency). In summary, the available evidence is currently insufficient to determine the role of this variant in disease. Therefore, it has been classified as a Variant of Uncertain Significance. Algorithms developed to predict the effect of missense changes on protein structure and function are either unavailable or do not agree on the potential impact of this missense change (SIFT: "Tolerated"; PolyPhen-2: "Possibly Damaging"; Align-GVGD: "Class C0"). ClinVar contains an entry for this variant (Variation ID: 1364345). This variant has not been reported in the literature in individuals affected with AGRN-related conditions. This sequence change replaces aspartic acid, which is acidic and polar, with asparagine, which is neutral and polar, at codon 367 of the AGRN protein (p.Asp367Asn).

NM_198576.4(AGRN):c.1099G>A (p.Asp367Asn)

Gene: AGRN (agrin; plus strand). Cytogenetic location: 1p36.33.
Variant type: single nucleotide variant.
Coding change: c.1099G>A on transcript NM_198576.4 (MANE Select); coding-DNA position 1099, G replaced by A.
Protein change: p.Asp367Asn; replaces aspartic acid 367 with asparagine.
Molecular consequence: missense variant.
Genome position (GRCh38, 1-based): chr1:1,041,624, G>A. VCF-style: chr1-1041624-G-A. GRCh37 (hg19) VCF-style: chr1-977004-G-A.
Other names: c.1099G>A, p.Asp367Asn (NM_001305275.2); c.784G>A, p.Asp262Asn (NM_001364727.2); short protein forms D262N, D367N.
Identifiers: ClinVar variation 1364345 (VCV001364345.6), dbSNP rs1417668906, ClinGen allele CA337827168.